The following is an entry in ClinVar:

ClinVar aggregate classification (germline): Likely pathogenic (1 of 4 stars; one submission).

Submission:

Mayo Clinic Laboratories, Mayo Clinic
Classification: Likely pathogenic. Last evaluated: 2023-08-08. Review status: criteria provided, single submitter. Criteria: ACMG Guidelines, 2015. Collection method: clinical testing. Allele origin: germline. Observed: 1 variant allele.
Comment: PM2_moderate, PVS1

NM_000552.5(VWF):c.377_378del (p.Tyr126fs)

Gene: VWF (von Willebrand factor; minus strand). Cytogenetic location: 12p13.31.
Variant type: Deletion.
Coding change: c.377_378del on transcript NM_000552.5 (MANE Select); coding-DNA positions 377 to 378, 2 bases deleted (AC; older notation c.377_378delAC).
Protein change: p.Tyr126fs; shifts the reading frame from tyrosine 126.
Molecular consequence: frameshift variant.
Genome position (GRCh38, 1-based): chr12:6,110,528-6,110,529, GT deleted on the plus strand (AC on the coding strand, the reverse complement: VWF is on the minus strand). VCF-style (leftmost placement, unchanged base first): chr12-6110527-AGT-A. GRCh37 (hg19) VCF-style: chr12-6219693-AGT-A.
Other names: p.Tyr126Leufs*6; short protein forms Y126fs.
Identifiers: ClinVar variation 3381085 (VCV003381085.1).